The following is an entry in ClinVar:

NM_001349253.2(SCN11A):c.98T>C (p.Ile33Thr)

Gene: SCN11A (sodium voltage-gated channel alpha subunit 11; minus strand). Cytogenetic location: 3p22.2.
Variant type: single nucleotide variant.
Coding change: c.98T>C on transcript NM_001349253.2 (MANE Select); coding-DNA position 98, T replaced by C.
Protein change: p.Ile33Thr; replaces isoleucine 33 with threonine.
Molecular consequence: missense variant.
Genome position (GRCh38, 1-based): chr3:38,950,265, A>G on the plus strand (T>C on the coding strand, the complement: SCN11A is on the minus strand). VCF-style: chr3-38950265-A-G. GRCh37 (hg19) VCF-style: chr3-38991756-A-G.
Other names: c.98T>C, p.Ile33Thr (NM_014139.3); short protein forms I33T.
Identifiers: ClinVar variation 3897120 (VCV003897120.1).

ClinVar aggregate classification (germline): Uncertain significance (1 of 4 stars; one submission).

gnomAD v4.1: 3 of 1,613,920 alleles (0.00019%); highest among the groups gnomAD compares: African/African-American, 0.004%; no homozygotes.

Submission:

GeneDx
Classification: Uncertain significance. Last evaluated: 2024-11-04. Review status: criteria provided, single submitter. Criteria: GeneDx Variant Classification Process June 2021. Collection method: clinical testing. Allele origin: germline. Affected: yes.
Comment: Not observed at significant frequency in large population cohorts (gnomAD); In silico analysis indicates that this missense variant does not alter protein structure/function; Has not been previously published as pathogenic or benign to our knowledge